The following is an entry in ClinVar:

NM_000057.4(BLM):c.1415C>T (p.Thr472Ile)

Gene: BLM (BLM RecQ like helicase; plus strand). Cytogenetic location: 15q26.1.
Variant type: single nucleotide variant.
Coding change: c.1415C>T on transcript NM_000057.4 (MANE Select); coding-DNA position 1415, C replaced by T.
Protein change: p.Thr472Ile; replaces threonine 472 with isoleucine.
Molecular consequence: missense variant.
Genome position (GRCh38, 1-based): chr15:90,760,788, C>T. VCF-style: chr15-90760788-C-T. GRCh37 (hg19) VCF-style: chr15-91304018-C-T.
Other names: c.1415C>T, p.Thr472Ile (NM_001287246.2, NM_001287247.2); c.290C>T, p.Thr97Ile (NM_001287248.2); short protein forms T97I, T472I.
Identifiers: ClinVar variation 3572335 (VCV003572335.3).
Genomic context (GRCh38, chr15:90,760,788, plus strand): 5'-AGTTAAATTTTTCACACCTTCCCTCAAATTCTGTTTCTCCTGGGGACTGTTTACTGACTA[C>T]CACCCTAGGAAAGACAGGATTCTCTGCCACCAGGAAGAATCTTTTTGAAAGGCCTTTATT-3'
Protein context (NP_000048.1, residues 462-482): SVSPGDCLLT[Thr472Ile]TLGKTGFSAT

ClinVar aggregate classification (germline): Uncertain significance. Review status: criteria provided, multiple submitters, no conflicts (2 of 4 stars). 2 submissions from 2 submitters: Uncertain significance (2). Last evaluated 2025-10-29.

Conditions:
Bloom syndrome (BLM). Also called: Bloom-Torre-Machacek syndrome. Identifiers: Orphanet 125, MedGen C0005859, MONDO:0008876, OMIM 210900.

Submissions (2):

Helix
Classification: Uncertain significance for Bloom syndrome. Last evaluated: 2025-10-29. Review status: criteria provided, single submitter. Criteria: ACMG Guidelines, 2015. Collection method: clinical testing. Allele origin: germline. Inheritance: Autosomal recessive inheritance.
Comment: This variant (NM_000057.4:c.1415C>T p.Thr472Ile) results in the substitution of threonine with isoleucine at codon 472 in the BLM protein. It is a rare variant that is absent from the large gnomAD population database (v4.1). To our knowledge, this variant has not been reported in individuals with BLM-related conditions in the published literature. In silico prediction from REVEL (PMID: 27666373) suggests that this variant may be benign. This variant is present in ClinVar (Variation ID: 3572335). In conclusion, since the available evidence is limited, the clinical significance of this variant is unclear at this time. Therefore, it is classified as a Variant of Uncertain Significance.

Quest Diagnostics Nichols Institute San Juan Capistrano
Classification: Uncertain significance. Last evaluated: 2024-12-06. Review status: criteria provided, single submitter. Criteria: Quest Diagnostics criteria. Collection method: clinical testing. Allele origin: unknown.
Comment: The BLM c.1415C>T (p.Thr472Ile) variant has not been reported in individuals with BLM-related conditions in the published literature. It also has not been reported in large, multi-ethnic general populations (Genome Aggregation Database). Analysis of this variant using bioinformatics tools for the prediction of the effect of amino acid changes on protein structure and function yielded predictions that this variant is benign. Based on the available information, we are unable to determine the clinical significance of this variant.